The following is an entry in ClinVar:

NM_003737.4(DCHS1):c.7178G>A (p.Ser2393Asn)

Gene: DCHS1 (dachsous cadherin-related 1; minus strand). Cytogenetic location: 11p15.4.
Variant type: single nucleotide variant.
Coding change: c.7178G>A on transcript NM_003737.4 (MANE Select); coding-DNA position 7178, G replaced by A.
Protein change: p.Ser2393Asn; replaces serine 2393 with asparagine.
Molecular consequence: missense variant.
Genome position (GRCh38, 1-based): chr11:6,624,837, C>T on the plus strand (G>A on the coding strand, the complement: DCHS1 is on the minus strand). VCF-style: chr11-6624837-C-T. GRCh37 (hg19) VCF-style: chr11-6646068-C-T.
Other names: short protein forms S2393N.
Identifiers: ClinVar variation 3650289 (VCV003650289.2).
Genomic context (GRCh38, chr11:6,624,837, plus strand): 5'-TAGGAAATGTGACCGTTGGCACCTGAGTCCCGATCAGTGGCAGAGACGGAGAGAATGGCA[C>T]TGCCTGGGGGTGTGTGCTCAAGCAGCATTACCTGAAGTGTGAGGAAAAGTGCTTATTGCC-3'
Protein context (NP_003728.1, residues 2383-2403): VMLLEHTPPG[Ser2393Asn]AILSVSATDR

ClinVar aggregate classification (germline): Uncertain significance (1 of 4 stars; one submission).

gnomAD v4.1: 1 of 1,613,890 alleles (0.000062%); highest among the groups gnomAD compares: Admixed American, 0.0017%; no homozygotes.

Submission:

Labcorp Genetics (formerly Invitae), Labcorp
Classification: Uncertain significance. Last evaluated: 2024-09-03. Review status: criteria provided, single submitter. Criteria: Invitae Variant Classification Sherloc (09022015). Collection method: clinical testing. Allele origin: germline.
Comment: This sequence change replaces serine, which is neutral and polar, with asparagine, which is neutral and polar, at codon 2393 of the DCHS1 protein (p.Ser2393Asn). This variant is not present in population databases (gnomAD no frequency). This variant has not been reported in the literature in individuals affected with DCHS1-related conditions. Invitae Evidence Modeling of protein sequence and biophysical properties (such as structural, functional, and spatial information, amino acid conservation, physicochemical variation, residue mobility, and thermodynamic stability) has been performed for this missense variant. However, the output from this modeling did not meet the statistical confidence thresholds required to predict the impact of this variant on DCHS1 protein function. In summary, the available evidence is currently insufficient to determine the role of this variant in disease. Therefore, it has been classified as a Variant of Uncertain Significance.